The following is an entry in ClinVar:

NM_003816.3(ADAM9):c.914+8T>A

Gene: ADAM9 (ADAM metallopeptidase domain 9; plus strand). Cytogenetic location: 8p11.22.
Variant type: single nucleotide variant.
Coding change: c.914+8T>A on transcript NM_003816.3 (MANE Select); 8 bases into the intron after coding-DNA position 914, T replaced by A.
Molecular consequence: intron variant.
Genome position (GRCh38, 1-based): chr8:39,023,333, T>A. VCF-style: chr8-39023333-T-A. GRCh37 (hg19) VCF-style: chr8-38880852-T-A.
Identifiers: ClinVar variation 362927 (VCV000362927.20), dbSNP rs377447230, ClinGen allele CA4721474.

ClinVar aggregate classification (germline): Benign/Likely benign. Review status: criteria provided, multiple submitters, no conflicts (2 of 4 stars). 6 submissions from 6 submitters: Benign (1); Likely benign (4). 1 of the submissions does not count toward it. Last evaluated 2026-01-22.

Conditions:
Cone-rod dystrophy 9 (CORD9). Identifiers: Orphanet 1872, MedGen C1423873, MONDO:0013002, OMIM 612775.

Allele frequency attached by ClinVar (database versions not stated): TOPMed 0.00171; gnomAD 0.00173 and 0.00205; 1000 Genomes Project 0.00379; ExAC 0.00553; gnomAD exomes 0.00574; ESP Exome Variant Server 0.00077.
gnomAD v4.1: 3,527 of 1,266,042 alleles (0.28%); highest among the groups gnomAD compares: South Asian, 1.7%; 28 homozygotes.

Submissions (8):

Labcorp Genetics (formerly Invitae), Labcorp
Classification: Benign. Last evaluated: 2026-01-22. Review status: criteria provided, single submitter. Criteria: Invitae Variant Classification Sherloc (09022015). Collection method: clinical testing. Allele origin: germline.

Blueprint Genetics
Classification: Likely benign. Last evaluated: 2024-11-26. Review status: criteria provided, single submitter. Criteria: ACMG Guidelines, 2015. Collection method: clinical testing. Allele origin: germline.

Illumina Laboratory Services, Illumina
Classification: Likely benign for Cone-rod dystrophy 9. Last evaluated: 2018-01-13. Review status: criteria provided, single submitter. Criteria: ICSL Variant Classification Criteria 13 December 2019. Collection method: clinical testing. Allele origin: germline.
Comment: This variant was observed in the ICSL laboratory as part of a predisposition screen in an ostensibly healthy population. It had not been previously curated by ICSL or reported in the Human Gene Mutation Database (HGMD: prior to June 1st, 2018), and was therefore a candidate for classification through an automated scoring system. Utilizing variant allele frequency, disease prevalence and penetrance estimates, and inheritance mode, an automated score was calculated to assess if this variant is too frequent to cause the disease. Based on the score and internal cut-off values, a variant classified as likely benign is not then subjected to further curation. The score for this variant resulted in a classification of likely benign for this disease.

Clinical Genetics DNA and cytogenetics Diagnostics Lab, Erasmus MC, Erasmus Medical Center
Classification: Likely benign for Cone-rod dystrophy 9. Last evaluated: 2016-02-04. Review status: criteria provided, single submitter. Criteria: ACGS Guidelines, 2013. Collection method: clinical testing. Allele origin: germline. Affected: yes. Study: VKGL Data-share Consensus.

Breakthrough Genomics
Classification: Likely benign. Review status: criteria provided, single submitter. Criteria: ACMG Guidelines, 2015. Collection method: not provided. Allele origin: germline. Inheritance: Autosomal recessive inheritance. Affected: yes.

Clinical Genetics, Academic Medical Center
Classification: Benign. Review status: no assertion criteria provided. Collection method: clinical testing. Allele origin: germline. Affected: yes. Study: VKGL Data-share Consensus. Not counted in ClinVar's aggregate classification.

Dr. Peter K. Rogan Lab, Western University
No classification provided (evidence only). Condition: Sarcoma. Review status: no classification provided. Collection method: in vitro. Allele origin: not applicable. Functional consequence: retained intron. Not counted in ClinVar's aggregate classification.

Dr. Peter K. Rogan Lab, Western University
No classification provided (evidence only). Condition: Sarcoma. Review status: no classification provided. Collection method: in vitro. Allele origin: not applicable. Functional consequence: retained intron. Not counted in ClinVar's aggregate classification.